The following is an entry in ClinVar:

NM_021939.4(FKBP10):c.1277A>G (p.Gln426Arg)

Gene: FKBP10 (FKBP prolyl isomerase 10; plus strand). Cytogenetic location: 17q21.2.
Variant type: single nucleotide variant.
Coding change: c.1277A>G on transcript NM_021939.4 (MANE Select); coding-DNA position 1277, A replaced by G.
Protein change: p.Gln426Arg; replaces glutamine 426 with arginine.
Molecular consequence: missense variant.
Genome position (GRCh38, 1-based): chr17:41,820,967, A>G. VCF-style: chr17-41820967-A-G. GRCh37 (hg19) VCF-style: chr17-39977219-A-G.
Other names: short protein forms Q426R.
Identifiers: ClinVar variation 3896575 (VCV003896575.3).

ClinVar aggregate classification (germline): Uncertain significance. Review status: criteria provided, multiple submitters, no conflicts (2 of 4 stars). 2 submissions from 2 submitters: Uncertain significance (2). Last evaluated 2025-06-12.

Conditions:
Inborn genetic diseases. Identifiers: MedGen C0950123, MeSH D030342.

gnomAD v4.1: 18 of 1,612,146 alleles (0.0011%); highest among the groups gnomAD compares: Non-Finnish European, 0.0015%; no homozygotes.

Submissions (2):

Ambry Genetics
Classification: Uncertain significance for Inborn genetic diseases. Last evaluated: 2025-06-12. Review status: criteria provided, single submitter. Criteria: Ambry Variant Classification Scheme 2023. Collection method: clinical testing. Allele origin: germline.

Women's Health and Genetics/Laboratory Corporation of America, LabCorp
Classification: Uncertain significance. Last evaluated: 2025-04-01. Review status: criteria provided, single submitter. Criteria: LabCorp Variant Classification Summary - May 2015. Collection method: clinical testing. Allele origin: germline.
Comment: Variant summary: FKBP10 c.1277A>G (p.Gln426Arg) results in a conservative amino acid change in the encoded protein sequence. Four of five in-silico tools predict a benign effect of the variant on protein function. The variant allele was found at a frequency of 1.2e-05 in 242712 control chromosomes. The available data on variant occurrences in the general population are insufficient to allow any conclusion about variant significance. To our knowledge, no occurrence of c.1277A>G in individuals affected with Osteogenesis Imperfecta and no experimental evidence demonstrating its impact on protein function have been reported. No submitters have cited clinical-significance assessments for this variant to ClinVar. Based on the evidence outlined above, the variant was classified as uncertain significance.